The following is an entry in ClinVar:

ClinVar aggregate classification (germline): Uncertain significance. Review status: criteria provided, multiple submitters, no conflicts (2 of 4 stars). 2 submissions from 2 submitters: Uncertain significance (2). Last evaluated 2024-09-05.

Conditions:
Inflammatory bowel disease 28. Also called: Inflammatory bowel disease 28, early onset, autosomal recessive. Identifiers: Orphanet 238569, MedGen C2751053, MONDO:0013153, OMIM 613148.

Allele frequency attached by ClinVar (database versions not stated): ExAC 0.00001; gnomAD 0.00001; gnomAD exomes 0.00001; TOPMed 0.00001.

Submissions (2):

Blueprint Genetics
Classification: Uncertain significance. Last evaluated: 2024-09-05. Review status: criteria provided, single submitter. Criteria: ACMG Guidelines, 2015. Collection method: clinical testing. Allele origin: germline.

Labcorp Genetics (formerly Invitae), Labcorp
Classification: Uncertain significance for Inflammatory bowel disease 28. Last evaluated: 2021-11-28. Review status: criteria provided, single submitter. Criteria: Invitae Variant Classification Sherloc (09022015). Collection method: clinical testing. Allele origin: germline.
Comment: This sequence change replaces glutamine, which is neutral and polar, with histidine, which is basic and polar, at codon 334 of the IL10RA protein (p.Gln334His). This variant is present in population databases (rs758119534, gnomAD 0.003%). This variant has not been reported in the literature in individuals affected with IL10RA-related conditions. ClinVar contains an entry for this variant (Variation ID: 1046899). Algorithms developed to predict the effect of missense changes on protein structure and function output the following: SIFT: "Tolerated"; PolyPhen-2: "Benign"; Align-GVGD: "Class C0". The histidine amino acid residue is found in multiple mammalian species, which suggests that this missense change does not adversely affect protein function. In summary, the available evidence is currently insufficient to determine the role of this variant in disease. Therefore, it has been classified as a Variant of Uncertain Significance.

NM_001558.4(IL10RA):c.1002G>C (p.Gln334His)

Gene: IL10RA (interleukin 10 receptor subunit alpha; plus strand). Cytogenetic location: 11q23.3.
Variant type: single nucleotide variant.
Coding change: c.1002G>C on transcript NM_001558.4 (MANE Select); coding-DNA position 1002, G replaced by C.
Protein change: p.Gln334His; replaces glutamine 334 with histidine.
Molecular consequence: missense variant. On other transcripts: non-coding transcript variant (1).
Genome position (GRCh38, 1-based): chr11:117,998,906, G>C. VCF-style: chr11-117998906-G-C. GRCh37 (hg19) VCF-style: chr11-117869621-G-C.
Other names: short protein forms Q334H.
Identifiers: ClinVar variation 1046899 (VCV001046899.5), dbSNP rs758119534, ClinGen allele CA6299101.